The following is an entry in ClinVar:

ClinVar aggregate classification (germline): Uncertain significance (1 of 4 stars; one submission).

Conditions:
PHACTR1-related disorder. Also called: PHACTR1-related condition.

gnomAD v4.1: 1 of 1,613,924 alleles (0.000062%); highest among the groups gnomAD compares: Non-Finnish European, 0.000085%; no homozygotes.

Submission:

PreventionGenetics, part of Exact Sciences
Classification: Uncertain significance for PHACTR1-related condition. Last evaluated: 2025-08-08. Review status: criteria provided, single submitter. Criteria: ACMG Guidelines, 2015. Collection method: clinical testing. Allele origin: germline.
Comment: The PHACTR1 c.521A>T variant is predicted to result in the amino acid substitution p.Asn174Ile. To our knowledge, this variant has not been reported in the literature or in a large population database (gnomAD), indicating this variant is rare. At this time, the clinical significance of this variant is uncertain due to the absence of conclusive functional and genetic evidence.

NM_030948.6(PHACTR1):c.518A>T (p.Asn173Ile)

Gene: PHACTR1 (phosphatase and actin regulator 1; plus strand). Cytogenetic location: 6p24.1.
Variant type: single nucleotide variant.
Coding change: c.518A>T on transcript NM_030948.6 (MANE Select); coding-DNA position 518, A replaced by T.
Protein change: p.Asn173Ile; replaces asparagine 173 with isoleucine.
Molecular consequence: missense variant.
Genome position (GRCh38, 1-based): chr6:13,182,540, A>T. VCF-style: chr6-13182540-A-T. GRCh37 (hg19) VCF-style: chr6-13182772-A-T.
Other names: c.518A>T, p.Asn173Ile (NM_001242648.4, NM_001322308.3, NM_001322309.3 and 3 more transcripts); c.242A>T, p.Asn81Ile (NM_001322311.2, NM_001322312.3, NM_001322313.2 and 1 more transcripts); c.521A>T, p.Asn174Ile (NM_001322314.4); short protein forms N81I, N173I, N174I.
Identifiers: ClinVar variation 4998922 (VCV004998922.1).
Genomic context (GRCh38, chr6:13,182,540, plus strand): 5'-ACATTGTCTAACTCTGCAATCTCCTTTTCTCTCTGACAGATGGGGAACTCTCTATATCCA[A>T]TGAAGAGGACTCCCTAGAAAATGGGCAGTCCCTGAGCTCCAGCCAGCTGTCTCTGCCTGC-3'
Protein context (NP_112210.1, residues 163-183): YDKDGELSIS[Asn173Ile]EEDSLENGQS